The following is an entry in ClinVar:

ClinVar aggregate classification (germline): Uncertain significance (1 of 4 stars; one submission).

gnomAD v4.1: 1 of 1,598,316 alleles (0.000063%); highest among the groups gnomAD compares: Non-Finnish European, 0.000086%; no homozygotes.

Submission:

Ambry Genetics
Classification: Uncertain significance. Last evaluated: 2025-08-15. Review status: criteria provided, single submitter. Criteria: Ambry Variant Classification Scheme 2023. Collection method: clinical testing. Allele origin: germline.
Comment: The c.671G>C variant (also known as p.S224T), located in coding exon 4 of the ATRIP gene, results from a G to C substitution at nucleotide position 671. The amino acid change results in serine to threonine at codon 224, an amino acid with similar properties. However, this change occurs in the last base pair of coding exon 4, which makes it likely to have some effect on normal mRNA splicing. This nucleotide position is highly conserved in available vertebrate species. This amino acid position is highly conserved in available vertebrate species. In silico splice site analysis predicts that this alteration will weaken the native splice donor site. In addition, this alteration is predicted to be tolerated by in silico analysis. The evidence for this gene-disease relationship is limited; therefore, the clinical significance of this alteration is unclear.

NM_130384.3(ATRIP):c.671G>C (p.Ser224Thr)

Genes: ATRIP (ATR interacting protein; plus strand), ATRIP-TREX1 (ATRIP-TREX1 readthrough; plus strand). Cytogenetic location: 3p21.31.
Variant type: single nucleotide variant.
Coding change: c.671G>C on transcript NM_130384.3 (MANE Select); coding-DNA position 671, G replaced by C.
Protein change: p.Ser224Thr; replaces serine 224 with threonine.
Molecular consequence: missense variant. On other transcripts: non-coding transcript variant (1).
Genome position (GRCh38, 1-based): chr3:48,454,418, G>C. VCF-style: chr3-48454418-G-C. GRCh37 (hg19) VCF-style: chr3-48495818-G-C.
Other names: c.290G>C, p.Ser97Thr (NM_001271022.2); c.392G>C, p.Ser131Thr (NM_001271023.2); c.671G>C, p.Ser224Thr (NM_032166.4); short protein forms S131T, S224T, S97T.
Identifiers: ClinVar variation 4182085 (VCV004182085.1).
Genomic context (GRCh38, chr3:48,454,418, plus strand): 5'-CAAAGCTCCAGACCAGTGAACGAGCAAATAAACTGGCTGCTCCCTCTGTTTCCCATGTCA[G>C]GTAATGATGGTGCTGGAGGGATAGTTCAGTTTTGCATTATTTAGTAAAAAATCTGCATAA-3'
Protein context (NP_569055.1, residues 214-234): KLAAPSVSHV[Ser224Thr]PRKNPSVVIK